The following is an entry in ClinVar:

ClinVar aggregate classification (germline): Uncertain significance (1 of 4 stars; one submission).

Submission:

Labcorp Genetics (formerly Invitae), Labcorp
Classification: Uncertain significance. Last evaluated: 2024-01-15. Review status: criteria provided, single submitter. Criteria: Invitae Variant Classification Sherloc (09022015). Collection method: clinical testing. Allele origin: germline.
Comment: This sequence change replaces alanine, which is neutral and non-polar, with glycine, which is neutral and non-polar, at codon 646 of the ADCY10 protein (p.Ala646Gly). This variant is not present in population databases (gnomAD no frequency). This variant has not been reported in the literature in individuals affected with ADCY10-related conditions. ClinVar contains an entry for this variant (Variation ID: 2110792). Algorithms developed to predict the effect of missense changes on protein structure and function output the following: SIFT: "Not Available"; PolyPhen-2: "Benign"; Align-GVGD: "Not Available". The glycine amino acid residue is found in multiple mammalian species, which suggests that this missense change does not adversely affect protein function. In summary, the available evidence is currently insufficient to determine the role of this variant in disease. Therefore, it has been classified as a Variant of Uncertain Significance.

NM_018417.6(ADCY10):c.1937C>G (p.Ala646Gly)

Gene: ADCY10 (adenylate cyclase 10; minus strand). Cytogenetic location: 1q24.2.
Variant type: single nucleotide variant.
Coding change: c.1937C>G on transcript NM_018417.6 (MANE Select); coding-DNA position 1937, C replaced by G.
Protein change: p.Ala646Gly; replaces alanine 646 with glycine.
Molecular consequence: missense variant.
Genome position (GRCh38, 1-based): chr1:167,856,399, G>C on the plus strand (C>G on the coding strand, the complement: ADCY10 is on the minus strand). VCF-style: chr1-167856399-G-C. GRCh37 (hg19) VCF-style: chr1-167825637-G-C.
Other names: c.1478C>G, p.Ala493Gly (NM_001167749.3); c.1661C>G, p.Ala554Gly (NM_001297772.2); short protein forms A554G, A493G, A646G.
Identifiers: ClinVar variation 2110792 (VCV002110792.4), dbSNP rs775601571, ClinGen allele CA343089055.